The following is an entry in ClinVar:

ClinVar aggregate classification (germline): Uncertain significance (1 of 4 stars; one submission).

Allele frequency attached by ClinVar (database versions not stated): gnomAD exomes 0.00001.
gnomAD v4.1: 6 of 1,613,914 alleles (0.00037%); highest among the groups gnomAD compares: Non-Finnish European, 0.00051%; no homozygotes.

Submission:

GeneDx
Classification: Uncertain significance. Last evaluated: 2023-01-19. Review status: criteria provided, single submitter. Criteria: GeneDx Variant Classification Process June 2021. Collection method: clinical testing. Allele origin: germline. Affected: yes.
Comment: Not observed at significant frequency in large population cohorts (gnomAD); In silico analysis supports that this missense variant does not alter protein structure/function; Has not been previously published as pathogenic or benign to our knowledge

NM_006852.6(TLK2):c.293C>A (p.Thr98Asn)

Gene: TLK2 (tousled like kinase 2; plus strand). Cytogenetic location: 17q23.2.
Variant type: single nucleotide variant.
Coding change: c.293C>A on transcript NM_006852.6 (MANE Select); coding-DNA position 293, C replaced by A.
Protein change: p.Thr98Asn; replaces threonine 98 with asparagine.
Molecular consequence: missense variant. On other transcripts: intron variant (5).
Genome position (GRCh38, 1-based): chr17:62,524,261, C>A. VCF-style: chr17-62524261-C-A. GRCh37 (hg19) VCF-style: chr17-60601622-C-A.
Other names: c.293C>A, p.Thr98Asn (NM_001375270.1, NM_001375271.1, NM_001284333.3); c.-85+1084C>A (NM_001375273.1, NM_001330418.3); c.267+1084C>A (NM_001375272.1, NM_001284363.1); c.405+1084C>A (NM_001375269.1); short protein forms T98N.
Identifiers: ClinVar variation 1708678 (VCV001708678.3), dbSNP rs2076233134, ClinGen allele CA400515879.
Genomic context (GRCh38, chr17:62,524,261, plus strand): 5'-TGAATTATTCATATCGGTTTTTCCCTGTTGGCCAGTTTGCTGGGGGAAGCGCGCCAGGAA[C>A]CAGCCCTGGCAGAAGTGTTCCACCAGTTGCACGATCCTCACCGCAACATTCCTTATCCAA-3'
Protein context (NP_006843.2, residues 88-108): FEFAGGSAPG[Thr98Asn]SPGRSVPPVA